The following is an entry in ClinVar:

ClinVar aggregate classification (germline): Uncertain significance (1 of 4 stars; one submission).

Allele frequency attached by ClinVar (database versions not stated): gnomAD exomes below 0.00001.
gnomAD v4.1: 1 of 1,613,170 alleles (0.000062%); highest among the groups gnomAD compares: Non-Finnish European, 0.000085%; no homozygotes.

Submission:

Labcorp Genetics (formerly Invitae), Labcorp
Classification: Uncertain significance. Last evaluated: 2025-08-11. Review status: criteria provided, single submitter. Criteria: Invitae Variant Classification Sherloc (09022015). Collection method: clinical testing. Allele origin: germline.
Comment: This sequence change replaces aspartic acid, which is acidic and polar, with glycine, which is neutral and non-polar, at codon 390 of the MYO18B protein (p.Asp390Gly). This variant is not present in population databases (gnomAD no frequency). This variant has not been reported in the literature in individuals affected with MYO18B-related conditions. ClinVar contains an entry for this variant (Variation ID: 2077560). An algorithm developed to predict the effect of missense changes on protein structure and function outputs the following: PolyPhen-2: "Benign". The glycine amino acid residue is found in multiple mammalian species, which suggests that this missense change does not adversely affect protein function. In summary, the available evidence is currently insufficient to determine the role of this variant in disease. Therefore, it has been classified as a Variant of Uncertain Significance.

NM_032608.7(MYO18B):c.1169A>G (p.Asp390Gly)

Gene: MYO18B (myosin XVIIIB; plus strand). Cytogenetic location: 22q12.1.
Variant type: single nucleotide variant.
Coding change: c.1169A>G on transcript NM_032608.7 (MANE Select); coding-DNA position 1169, A replaced by G.
Protein change: p.Asp390Gly; replaces aspartic acid 390 with glycine.
Molecular consequence: missense variant.
Genome position (GRCh38, 1-based): chr22:25,769,085, A>G. VCF-style: chr22-25769085-A-G. GRCh37 (hg19) VCF-style: chr22-26165052-A-G.
Other names: c.1169A>G, p.Asp390Gly (NM_001318245.2); short protein forms D390G.
Identifiers: ClinVar variation 2077560 (VCV002077560.4), dbSNP rs2517660857, ClinGen allele CA411004284.